The following continues an entry in ClinVar:

NM_007294.4(BRCA1):c.213-12A>G

Gene: BRCA1. ClinVar aggregate classification (germline): Pathogenic. Pathogenic (1).

Submissions 30 to 33 of 33:

Department of Pathology and Laboratory Medicine, Sinai Health System
Classification: Pathogenic. Review status: no assertion criteria provided. Collection method: clinical testing. Allele origin: unknown. Affected: yes. Study: The Canadian Open Genetics Repository (COGR). Not counted in ClinVar's aggregate classification.
Comment: The BRCA1 c.213-12A>G variant was identified in 6 of 11748 proband chromosomes (frequency: 0.0005) from Spanish, Korean, German, Austrian, Malayasian and Dutch individuals or families with high risk breast and ovarian cancer, or triple negative breast cancer (de Juan Jimenez_2013_23479189, Kang_2015_25863477, Meindl_2002_11802209, Muendlein_2015_25971625, Thirthagiri_2008_18627636, van der Hout_2006_16683254). The c.213-12A>G variant is located in the 3' splice region but does not affect the invariant -1 and -2 positions. However, positions -3 and -5 to -12 are part of the splicing consensus sequence and variants involving these positions sometimes affect splicing. The variant was initially identified in a family with a history of breast cancer, segregating with the disease, and RT-PCR analysis on whole blood lymphocyte showed an 11 nucleotide insert at the intron 4/exon 6 boundary leading to a frameshift and truncated protein (Hoffman_1998_ 9805131). The variant was also identified in dbSNP (ID: rs80358163) â€šÃ„ÃºWith Pathogenic alleleâ€šÃ„Ã¹, ClinVar (classified pathogenic (last evaluated 2017); submitters: pathogenic by Ambry Genetics, GeneDx, Michigan Medical Genetics Laboratories (University of Michigan), Laboratory for Molecular Medicine (Partners HealthCare Personalized Medicine), Quest Diagnostics Nichols Institute San Juan Capistrano, CIMBA, Counsyl, Invitae, SCRP, BIC ), Clinvitae (4x), GeneInsight-COGR (as pathogenic by 3 clinical laboratories ), BIC Database (25x with clinical importance, classification pending), ARUP Laboratories (5-definitely pathogenic), Zhejiang Colon Cancer Database (1x) and was not identified in Cosmic, MutDB, LOVD 3.0, UMD-LSDB, the 1000 Genomes Project, the NHLBI GO Exome Sequencing Project, the Exome Aggregation Consortium (August 8th 2016), or the Genome Aggregation Database (Feb 27, 2017). In summary, based on the above information this variant meets our laboratoryâ€šÃ„Ã´s criteria to be classified as pathogenic.

Diagnostic Laboratory, Department of Genetics, University Medical Center Groningen
Classification: Pathogenic for Breast-ovarian cancer, familial, susceptibility to, 1. Review status: no assertion criteria provided. Collection method: clinical testing. Allele origin: germline. Affected: yes. Study: VKGL Data-share Consensus. Not counted in ClinVar's aggregate classification.

Joint Genome Diagnostic Labs from Nijmegen and Maastricht, Radboudumc and MUMC+
Classification: Pathogenic. Review status: no assertion criteria provided. Collection method: clinical testing. Allele origin: germline. Affected: yes. Study: VKGL Data-share Consensus. Not counted in ClinVar's aggregate classification.

Laboratory of Diagnostic Genome Analysis, Leiden University Medical Center (LUMC)
Classification: Pathogenic. Review status: no assertion criteria provided. Collection method: clinical testing. Allele origin: germline. Affected: yes. Study: VKGL Data-share Consensus. Not counted in ClinVar's aggregate classification.

Literature cited by the submitters: PubMed 31131967 (cited by 4 submitters); PubMed 9805131 (cited by 7 submitters); PubMed 19563646 (cited by 4 submitters); PubMed 21348412 (cited by 3 submitters); PubMed 23479189 (cited by 5 submitters); PubMed 29360161 (cited by 3 submitters); PubMed 30702160 (cited by Quest Diagnostics Nichols Institute San Juan Capistrano); PubMed 18627636 (cited by 5 submitters); PubMed 21523855 (cited by Quest Diagnostics Nichols Institute San Juan Capistrano and Counsyl); PubMed 11802209 (cited by 4 submitters); PubMed 16683254 (cited by 3 submitters); PubMed 25863477 (cited by 5 submitters); PubMed 28528518 (cited by 3 submitters); PubMed 25971625 (cited by 3 submitters); PubMed 37563628 (cited by Quest Diagnostics Nichols Institute San Juan Capistrano); PubMed 21735045 (cited by 4 submitters); PubMed 23164213 (cited by 3 submitters); PubMed 26295337 (cited by Quest Diagnostics Nichols Institute San Juan Capistrano); PubMed 24285858 (cited by Ambry Genetics and Laboratory for Molecular Medicine, Mass General Brigham Personalized Medicine); PubMed 28324225 (cited by Ambry Genetics); PubMed 28993434 (cited by Ambry Genetics); PubMed 9760198 (cited by Color Diagnostics, LLC DBA Color Health and Laboratory for Molecular Medicine, Mass General Brigham Personalized Medicine); PubMed 21147080 (cited by Color Diagnostics, LLC DBA Color Health); PubMed 27836010 (cited by Mayo Clinic Laboratories, Mayo Clinic); PubMed 29446198 (cited by Women's Health and Genetics/Laboratory Corporation of America, LabCorp); PubMed 24667779 (cited by Laboratory for Molecular Medicine, Mass General Brigham Personalized Medicine); PubMed 38922859 (cited by Molecular Oncology, Hospital Universitario Central de Asturias (HUCA)); PubMed 32295079 (cited by CZECANCA consortium).